The following is an entry in ClinVar:

ClinVar aggregate classification (germline): Pathogenic (1 of 4 stars; one submission).

Conditions:
Intellectual developmental disorder, X-linked 99, syndromic, female-restricted. Also called: Intellectual disability, X-linked 99, syndromic, female-restricted. Identifiers: MedGen C4225416, MONDO:0010502, OMIM 300968.

Submission:

Variantyx, Inc.
Classification: Pathogenic for Intellectual developmental disorder, X-linked 99, syndromic, female-restricted. Last evaluated: 2025-11-14. Review status: criteria provided, single submitter. Criteria: Variantyx Assertion Criteria 2022. Collection method: clinical testing. Allele origin: maternal. Inheritance: X-linked dominant inheritance. Affected: yes.
Comment: This is a nonsense variant in the USP9X gene (OMIM: 300072). Pathogenic variants in this gene have been associated with X-linked female-restricted syndromic intellectual developmental disorder 99. This variant introduces a premature termination codon in exon 43 out of 45 and is expected to result in loss of function, which is a known disease mechanism for USP9X in this disorder (PMID: 26833328, 28377321) (PVS1). This variant is absent from control populations (PM2) and has not been reported in individuals with USP9X-related disorders in the databases available for review. Based on the current evidence, this variant is classified as pathogenic for X-linked female-restricted syndromic intellectual developmental disorder 99.

Literature cited by the submitters: PubMed 26833328; PubMed 28377321.

NM_001039591.3(USP9X):c.7306C>T (p.Gln2436Ter)

Gene: USP9X (ubiquitin specific peptidase 9 X-linked; plus strand). Cytogenetic location: Xp11.4.
Variant type: single nucleotide variant.
Coding change: c.7306C>T on transcript NM_001039591.3 (MANE Select); coding-DNA position 7306, C replaced by T.
Protein change: p.Gln2436Ter; replaces glutamine 2436 with a stop codon.
Molecular consequence: nonsense.
Genome position (GRCh38, 1-based): chrX:41,229,654, C>T. VCF-style: chrX-41229654-C-T. GRCh37 (hg19) VCF-style: chrX-41088907-C-T.
Other names: c.7306C>T, p.Gln2436Ter (NM_001039590.3); c.7321C>T, p.Gln2441Ter (NM_001410748.1, NM_001410749.1, NM_001437534.1); short protein forms Q2436*, Q2441*.
Identifiers: ClinVar variation 4795915 (VCV004795915.1).